The following is an entry in ClinVar:

ClinVar aggregate classification (germline): Uncertain significance (1 of 4 stars; one submission).

Submission:

Labcorp Genetics (formerly Invitae), Labcorp
Classification: Uncertain significance. Last evaluated: 2025-08-10. Review status: criteria provided, single submitter. Criteria: Invitae Variant Classification Sherloc (09022015). Collection method: clinical testing. Allele origin: germline.
Comment: This sequence change replaces lysine, which is basic and polar, with glutamic acid, which is acidic and polar, at codon 548 of the NFE2L2 protein (p.Lys548Glu). This variant is not present in population databases (gnomAD no frequency). This variant has not been reported in the literature in individuals affected with NFE2L2-related conditions. Invitae Evidence Modeling of protein sequence and biophysical properties (such as structural, functional, and spatial information, amino acid conservation, physicochemical variation, residue mobility, and thermodynamic stability) has been performed for this missense variant. However, the output from this modeling did not meet the statistical confidence thresholds required to predict the impact of this variant on NFE2L2 protein function. In summary, the available evidence is currently insufficient to determine the role of this variant in disease. Therefore, it has been classified as a Variant of Uncertain Significance.

NM_006164.5(NFE2L2):c.1642A>G (p.Lys548Glu)

Gene: NFE2L2 (NFE2 like bZIP transcription factor 2; minus strand). Cytogenetic location: 2q31.2.
Variant type: single nucleotide variant.
Coding change: c.1642A>G on transcript NM_006164.5 (MANE Select); coding-DNA position 1642, A replaced by G.
Protein change: p.Lys548Glu; replaces lysine 548 with glutamic acid.
Molecular consequence: missense variant.
Genome position (GRCh38, 1-based): chr2:177,230,961, T>C on the plus strand (A>G on the coding strand, the complement: NFE2L2 is on the minus strand). VCF-style: chr2-177230961-T-C. GRCh37 (hg19) VCF-style: chr2-178095689-T-C.
Other names: c.1594A>G, p.Lys532Glu (NM_001145412.3, NM_001313900.1, NM_001313901.1); c.1573A>G, p.Lys525Glu (NM_001145413.3); c.1552A>G, p.Lys518Glu (NM_001313902.2); c.1423A>G, p.Lys475Glu (NM_001313903.2); c.1342A>G, p.Lys448Glu (NM_001313904.1); short protein forms K518E, K548E, K448E, K475E, K525E, K532E.
Identifiers: ClinVar variation 4741467 (VCV004741467.1).
Genomic context (GRCh38, chr2:177,230,961, plus strand): 5'-GCATGCTGAAAACTTCGAGATATAAGGTGCTGAGTTGTTTTTTCAGTAGGTGAAGGCTTT[T>C]GTCATTTTCTCCTTTTTCTTTGAGCAATTTTTCTTTTTCATCTTTCAAATGATCTAAATC-3'
Protein context (NP_006155.2, residues 538-558): KLLKEKGEND[Lys548Glu]SLHLLKKQLS